The following is an entry in ClinVar:

ClinVar aggregate classification (germline): Uncertain significance (1 of 4 stars; one submission).

Conditions:
Inborn genetic diseases. Identifiers: MedGen C0950123, MeSH D030342.

Submission:

Ambry Genetics
Classification: Uncertain significance for Inborn genetic diseases. Last evaluated: 2024-07-28. Review status: criteria provided, single submitter. Criteria: Ambry Variant Classification Scheme 2023. Collection method: clinical testing. Allele origin: germline.
Comment: The p.Y570F variant (also known as c.1709A>T), located in coding exon 7 of the ATR gene, results from an A to T substitution at nucleotide position 1709. The tyrosine at codon 570 is replaced by phenylalanine, an amino acid with highly similar properties. This amino acid position is conserved. In addition, this alteration is predicted to be tolerated by in silico analysis. Based on the available evidence, the clinical significance of this variant remains unclear.

NM_001184.4(ATR):c.1709A>T (p.Tyr570Phe)

Gene: ATR (ATR serine/threonine kinase; minus strand). Cytogenetic location: 3q23.
Variant type: single nucleotide variant.
Coding change: c.1709A>T on transcript NM_001184.4 (MANE Select); coding-DNA position 1709, A replaced by T.
Protein change: p.Tyr570Phe; replaces tyrosine 570 with phenylalanine.
Molecular consequence: missense variant.
Genome position (GRCh38, 1-based): chr3:142,559,274, T>A on the plus strand (A>T on the coding strand, the complement: ATR is on the minus strand). VCF-style: chr3-142559274-T-A. GRCh37 (hg19) VCF-style: chr3-142278116-T-A.
Other names: c.1517A>T, p.Tyr506Phe (NM_001354579.2); short protein forms Y506F, Y570F.
Identifiers: ClinVar variation 3462470 (VCV003462470.1).